The following is an entry in ClinVar:

NM_005633.4(SOS1):c.*3718del

Gene: SOS1 (SOS Ras/Rac guanine nucleotide exchange factor 1; minus strand). Cytogenetic location: 2p22.1.
Variant type: Deletion.
Coding change: c.*3718del on transcript NM_005633.4 (MANE Select); 3718 bases downstream of the stop codon, one base deleted (G; older notation c.*3718delG).
Molecular consequence: 3 prime UTR variant.
Genome position (GRCh38, 1-based): chr2:38,982,106, C deleted on the plus strand (G on the coding strand, the reverse complement: SOS1 is on the minus strand); the first of 3 consecutive C bases (chr2:38,982,106-38,982,108); deleting any one gives the same sequence. VCF-style (leftmost placement, unchanged base first): chr2-38982105-AC-A. GRCh37 (hg19) VCF-style: chr2-39209246-AC-A.
Other names: c.*3718del (NM_001382394.1, NM_001382395.1).
Identifiers: ClinVar variation 1701378 (VCV001701378.31), dbSNP rs367976289, ClinGen allele CA45670517.
Genomic context (GRCh38, chr2:38,982,105, plus strand): 5'-CCACATGTACCTTCCATCATCTGTTATGCATCTTGTTTCTTTGAGTGGTAGTCCAATGTG[AC>A]CCACTGTTAGCTAATTTGCTTTATAATTCTGCAGCAATTGGCTACTTAATGCACTATTTT-3'

ClinVar aggregate classification (germline): Benign (1 of 4 stars; one submission).

Submission:

CeGaT Center for Human Genetics Tuebingen
Classification: Benign. Last evaluated: 2023-02-01. Review status: criteria provided, single submitter. Criteria: CeGaT Center For Human Genetics Tuebingen Variant Classification Criteria Version 2. Collection method: clinical testing. Allele origin: germline. Affected: yes. Observed: 11 variant alleles.
Comment: SOS1: BS1, BS2